The following is an entry in ClinVar:

ClinVar aggregate classification (germline): Conflicting classifications of pathogenicity. Review status: criteria provided, conflicting classifications (1 of 4 stars). 3 submissions from 3 submitters: Uncertain significance (2); Likely benign (1). Last evaluated 2022-02-01.

Conditions:
Inborn genetic diseases. Identifiers: MedGen C0950123, MeSH D030342.

Allele frequency attached by ClinVar (database versions not stated): gnomAD exomes below 0.00001 and 0.00001; ExAC 0.00002.
gnomAD v4.1: 5 of 1,614,196 alleles (0.00031%); highest among the groups gnomAD compares: South Asian, 0.0022%; no homozygotes.

Submissions (3):

GeneDx
Classification: Uncertain significance. Last evaluated: 2022-02-01. Review status: criteria provided, single submitter. Criteria: GeneDx Variant Classification Process June 2021. Collection method: clinical testing. Allele origin: germline. Affected: yes.
Comment: In silico analysis supports that this missense variant does not alter protein structure/function; Has not been previously published as pathogenic or benign to our knowledge

Ambry Genetics
Classification: Likely benign for Inborn genetic diseases. Last evaluated: 2022-01-04. Review status: criteria provided, single submitter. Criteria: Ambry Variant Classification Scheme 2023. Collection method: clinical testing. Allele origin: germline.

Athena Diagnostics
Classification: Uncertain significance. Last evaluated: 2020-10-26. Review status: criteria provided, single submitter. Criteria: Athena Diagnostics criteria. Collection method: clinical testing. Allele origin: unknown.

NM_015046.7(SETX):c.4424T>C (p.Ile1475Thr)

Gene: SETX (senataxin; minus strand). Cytogenetic location: 9q34.13.
Variant type: single nucleotide variant.
Coding change: c.4424T>C on transcript NM_015046.7 (MANE Select); coding-DNA position 4424, T replaced by C.
Protein change: p.Ile1475Thr; replaces isoleucine 1475 with threonine.
Molecular consequence: missense variant.
Genome position (GRCh38, 1-based): chr9:132,327,174, A>G on the plus strand (T>C on the coding strand, the complement: SETX is on the minus strand). VCF-style: chr9-132327174-A-G. GRCh37 (hg19) VCF-style: chr9-135202561-A-G.
Other names: c.4424T>C, p.Ile1475Thr (NM_001351527.2, NM_001351528.2); short protein forms I1475T.
Identifiers: ClinVar variation 1256251 (VCV001256251.5), dbSNP rs765480069, ClinGen allele CA5297204.